The following is an entry in ClinVar:

ClinVar aggregate classification (germline): Uncertain significance (1 of 4 stars; one submission).

Conditions:
Progressive sclerosing poliodystrophy (MTDPS4A). Also called: ALPERS PROGRESSIVE INFANTILE POLIODYSTROPHY; NEURONAL DEGENERATION OF CHILDHOOD WITH LIVER DISEASE, PROGRESSIVE; Alpers Syndrome; ALPERS DIFFUSE DEGENERATION OF CEREBRAL GRAY MATTER WITH HEPATIC CIRRHOSIS; Alpers-Huttenlocher Syndrome; Mitochondrial DNA depletion syndrome 4A (Alpers type). Identifiers: Orphanet 726, MedGen C0205710, MONDO:0008758, OMIM 203700.

Submission:

Labcorp Genetics (formerly Invitae), Labcorp
Classification: Uncertain significance for Progressive sclerosing poliodystrophy. Last evaluated: 2023-02-11. Review status: criteria provided, single submitter. Criteria: Invitae Variant Classification Sherloc (09022015). Collection method: clinical testing. Allele origin: germline.
Comment: This variant is not present in population databases (gnomAD no frequency). In summary, the available evidence is currently insufficient to determine the role of this variant in disease. Therefore, it has been classified as a Variant of Uncertain Significance. Variants that disrupt the consensus splice site are a relatively common cause of aberrant splicing (PMID: 17576681, 9536098). Algorithms developed to predict the effect of sequence changes on RNA splicing suggest that this variant may disrupt the consensus splice site. This variant has not been reported in the literature in individuals affected with POLG-related conditions. This sequence change falls in intron 18 of the POLG gene. It does not directly change the encoded amino acid sequence of the POLG protein. It affects a nucleotide within the consensus splice site.

Literature cited by the submitters: PubMed 17576681; PubMed 9536098.

NM_002693.3(POLG):c.2981+5G>C

Gene: POLG (DNA polymerase gamma, catalytic subunit; minus strand). Cytogenetic location: 15q26.1.
Variant type: single nucleotide variant.
Coding change: c.2981+5G>C on transcript NM_002693.3 (MANE Select); 5 bases into the intron after coding-DNA position 2981, G replaced by C.
Molecular consequence: intron variant.
Genome position (GRCh38, 1-based): chr15:89,320,761, C>G on the plus strand (G>C on the coding strand, the complement: POLG is on the minus strand). VCF-style: chr15-89320761-C-G. GRCh37 (hg19) VCF-style: chr15-89863992-C-G.
Other names: c.2981+5G>C (NM_001126131.2).
Identifiers: ClinVar variation 3019306 (VCV003019306.3), dbSNP rs1358390699, ClinGen allele CA716883417.
Genomic context (GRCh38, chr15:89,320,761, plus strand): 5'-ACTAAAGGACAGTAAAGCAGGCCTCGGGTCCTGGGTGTTAAAGTGGATGGGAGAGGGACC[C>G]TCACCAGCGGAGGCCCTTGGTGGCAGCGTACATCTGCTGGGCCTTCTCAGCTGCCTCCTG-3'